The following is an entry in ClinVar:

ClinVar aggregate classification (germline): Uncertain significance (1 of 4 stars; one submission).

Submission:

Labcorp Genetics (formerly Invitae), Labcorp
Classification: Uncertain significance. Last evaluated: 2022-09-01. Review status: criteria provided, single submitter. Criteria: Invitae Variant Classification Sherloc (09022015). Collection method: clinical testing. Allele origin: germline.
Comment: This variant is not present in population databases (gnomAD no frequency). In summary, the available evidence is currently insufficient to determine the role of this variant in disease. Therefore, it has been classified as a Variant of Uncertain Significance. This variant has not been reported in the literature in individuals affected with ARID1B-related conditions. This variant, c.1342_1350dup, results in the insertion of 3 amino acid(s) of the ARID1B protein (p.Pro448_Pro450dup), but otherwise preserves the integrity of the reading frame.

NM_001374828.1(ARID1B):c.1585CCG[8] (p.Pro533_Ser534insProProPro)

Gene: ARID1B (AT-rich interaction domain 1B; plus strand). Cytogenetic location: 6q25.3.
Variant type: Microsatellite.
Coding change: c.1585CCG[8] on transcript NM_001374828.1 (MANE Select); eight copies in a row of the 3-base unit CCG starting at c.1585; the reference has five copies in a row; three copies, 9 bases duplicated.
Protein change: p.Pro533_Ser534insProProPro.
Molecular consequence: inframe insertion. On other transcripts: inframe indel (3).
Genome position (GRCh38, 1-based): chr6:156,779,271-156,779,279, CCGCCGCCG duplicated; duplicating any 9 consecutive bases within chr6:156,779,263-156,779,279 gives the same sequence; the position shown is the placement nearest the transcript's 3' end. VCF-style (leftmost placement, unchanged base first): chr6-156779262-G-GCGCCGCCGC. GRCh37 (hg19) VCF-style: chr6-157100396-G-GCGCCGCCGC.
Other names: c.1336_1338CCG[8], p.Pro450_Ser451insProProPro (NM_001346813.1, NM_020732.3); c.1585CCG[8], p.Pro533_Ser534insProProPro (NM_001371656.1, NM_001374820.1, NM_017519.3); c.1162_1164CCG[8], p.Pro392_Ser393insProProPro (NM_175863.2).
Identifiers: ClinVar variation 1954667 (VCV001954667.5), dbSNP rs572236007, ClinGen allele CA1675344095.